The following is an entry in ClinVar:

ClinVar aggregate classification (germline): Likely benign (1 of 4 stars; one submission).

gnomAD v4.1: 1,974 of 1,577,092 alleles (0.13%); highest among the groups gnomAD compares: Non-Finnish European, 0.16%; no homozygotes.

Submission:

CeGaT Center for Human Genetics Tuebingen
Classification: Likely benign. Last evaluated: 2026-08-01. Review status: criteria provided, single submitter. Criteria: CeGaT Center For Human Genetics Tuebingen Variant Classification Criteria Version 2. Collection method: clinical testing. Allele origin: germline. Affected: yes. Observed: 2 variant alleles.
Comment: GFAP: BP4, BS1

NM_002055.5(GFAP):c.1128-30G>A

Gene: GFAP (glial fibrillary acidic protein; minus strand). Cytogenetic location: 17q21.31.
Variant type: single nucleotide variant.
Coding change: c.1128-30G>A on transcript NM_002055.5 (MANE Select); 30 bases into the intron before coding-DNA position 1128, G replaced by A.
Molecular consequence: intron variant.
Genome position (GRCh38, 1-based): chr17:44,910,688, C>T on the plus strand (G>A on the coding strand, the complement: GFAP is on the minus strand). VCF-style: chr17-44910688-C-T. GRCh37 (hg19) VCF-style: chr17-42988056-C-T.
Other names: c.1128-30G>A (NM_001363846.2, NM_001131019.3, NM_001242376.3).
Identifiers: ClinVar variation 5038571 (VCV005038571.1).